The following is an entry in ClinVar:

NM_006983.2(MMP23B):c.1162G>C (p.Val388Leu)

Gene: MMP23B (matrix metallopeptidase 23B; plus strand). Cytogenetic location: 1p36.33.
Variant type: single nucleotide variant.
Coding change: c.1162G>C on transcript NM_006983.2 (MANE Select); coding-DNA position 1162, G replaced by C.
Protein change: p.Val388Leu; replaces valine 388 with leucine.
Molecular consequence: missense variant.
Genome position (GRCh38, 1-based): chr1:1,634,614, G>C. VCF-style: chr1-1634614-G-C. GRCh37 (hg19) VCF-style: chr1-1569990-G-C.
Other names: short protein forms V388L.
Identifiers: ClinVar variation 2261831 (VCV002261831.3), dbSNP rs1439457606, ClinGen allele CA337927078.

ClinVar aggregate classification (germline): Uncertain significance (1 of 4 stars; one submission).

Submission:

Ambry Genetics
Classification: Uncertain significance. Last evaluated: 2025-12-24. Review status: criteria provided, single submitter. Criteria: Ambry Variant Classification Scheme 2023. Collection method: clinical testing. Allele origin: germline.
Comment: The c.1162G>C (p.V388L) alteration is located in exon 8 (coding exon 8) of the MMP23B gene. This alteration results from a G to C substitution at nucleotide position 1162, causing the valine (V) at amino acid position 388 to be replaced by a leucine (L). Based on data from gnomAD, the C allele has an overall frequency of <0.001% (0/198492) total alleles studied. The highest observed frequency was <0.001% (/) of alleles. Based on insufficient or conflicting evidence, the clinical significance of this alteration remains unclear.